The following is an entry in ClinVar:

ClinVar aggregate classification (germline): Uncertain significance. Review status: criteria provided, multiple submitters, no conflicts (2 of 4 stars). 2 submissions from 2 submitters: Uncertain significance (2). Last evaluated 2026-09-08.

Conditions:
Fabry disease. Also called: Angiokeratoma corporis diffusum; Fabry's disease; ALPHA-GALACTOSIDASE A DEFICIENCY; ANDERSON-FABRY DISEASE; CERAMIDE TRIHEXOSIDASE DEFICIENCY; Ceramide trihexosidosis. Identifiers: Orphanet 324, MedGen C0002986, MONDO:0010526, OMIM 301500, HP:0001071. Disease mechanism: Fabry disease is due to inactivating mutations in the X-linked GLA gene resulting in deficiency of the enzyme Alpha Galactosidase-A., loss of function.

Submissions (2):

Genomenon, Inc
Classification: Uncertain significance for Fabry disease. Last evaluated: 2026-09-08. Review status: criteria provided, single submitter. Criteria: Genomenon Sequence Variant Interpretation Standards - Updated. Collection method: curation. Allele origin: germline. Affected: no.
Comment: GLA p.Glu398Ala (c.1193A>C) is a missense variant that changes the amino acid at codon 398 from Glutamic acid to Alanine. This variant has been reported in the published literature (PMID:23935525). It is absent or not present at a significant frequency in gnomAD. In conclusion, we classify GLA p.Glu398Ala (c.1193A>C) as a variant of uncertain significance.

Labcorp Genetics (formerly Invitae), Labcorp
Classification: Uncertain significance for Fabry disease. Last evaluated: 2023-01-30. Review status: criteria provided, single submitter. Criteria: Invitae Variant Classification Sherloc (09022015). Collection method: clinical testing. Allele origin: germline.
Comment: This sequence change replaces glutamic acid, which is acidic and polar, with alanine, which is neutral and non-polar, at codon 398 of the GLA protein (p.Glu398Ala). This variant is not present in population databases (gnomAD no frequency). This missense change has been observed in individual(s) with clinical features of GLA-related conditions (PMID: 23935525). Algorithms developed to predict the effect of missense changes on protein structure and function (SIFT, PolyPhen-2, Align-GVGD) all suggest that this variant is likely to be tolerated. Experimental studies have shown that this missense change affects GLA function (PMID: 23935525). In summary, the available evidence is currently insufficient to determine the role of this variant in disease. Therefore, it has been classified as a Variant of Uncertain Significance.

Literature cited by the submitters: PubMed 23935525 (cited by Genomenon, Inc and Labcorp Genetics (formerly Invitae), Labcorp).

NM_000169.3(GLA):c.1193A>C (p.Glu398Ala)

Genes: GLA (galactosidase alpha; minus strand), RPL36A-HNRNPH2 (RPL36A-HNRNPH2 readthrough; plus strand). Cytogenetic location: Xq22.1.
Variant type: single nucleotide variant.
Coding change: c.1193A>C on transcript NM_000169.3 (MANE Select); coding-DNA position 1193, A replaced by C.
Protein change: p.Glu398Ala; replaces glutamic acid 398 with alanine.
Molecular consequence: missense variant. On other transcripts: non-coding transcript variant (3), intron variant (2).
Genome position (GRCh38, 1-based): chrX:101,397,906, T>G on the plus strand (A>C on the coding strand, the complement: GLA is on the minus strand). VCF-style: chrX-101397906-T-G. GRCh37 (hg19) VCF-style: chrX-100652894-T-G.
Other names: c.1316A>C, p.Glu439Ala (NM_001406747.1); c.300+2449T>G (NM_001199973.2); c.177+6084T>G (NM_001199974.2); short protein forms E439A, E398A.
Identifiers: ClinVar variation 2737307 (VCV002737307.5), dbSNP rs2520849604, ClinGen allele CA413919657.